The following is an entry in ClinVar:

ClinVar aggregate classification (germline): Likely pathogenic (1 of 4 stars; one submission).

Submission:

Labcorp Genetics (formerly Invitae), Labcorp
Classification: Likely pathogenic. Last evaluated: 2024-04-24. Review status: criteria provided, single submitter. Criteria: Invitae Variant Classification Sherloc (09022015). Collection method: clinical testing. Allele origin: germline.
Comment: This sequence change affects a donor splice site in intron 24 of the PNPT1 gene. It is expected to disrupt RNA splicing. Variants that disrupt the donor or acceptor splice site typically lead to a loss of protein function (PMID: 16199547), and loss-of-function variants in PNPT1 are known to be pathogenic (PMID: 28594066, 30244537). This variant is not present in population databases (gnomAD no frequency). This variant has not been reported in the literature in individuals affected with PNPT1-related conditions. Algorithms developed to predict the effect of sequence changes on RNA splicing suggest that this variant may disrupt the consensus splice site. In summary, the currently available evidence indicates that the variant is pathogenic, but additional data are needed to prove that conclusively. Therefore, this variant has been classified as Likely Pathogenic.

Literature cited by the submitters: PubMed 16199547; PubMed 28594066; PubMed 30244537.

NM_033109.5(PNPT1):c.2013+1G>T

Gene: PNPT1 (polyribonucleotide nucleotidyltransferase 1; minus strand). Cytogenetic location: 2p16.1.
Variant type: single nucleotide variant.
Coding change: c.2013+1G>T on transcript NM_033109.5 (MANE Select); the canonical splice donor site of the intron after coding-DNA position 2013, G replaced by T.
Molecular consequence: splice donor variant.
Genome position (GRCh38, 1-based): chr2:55,643,318, C>A on the plus strand (G>T on the coding strand, the complement: PNPT1 is on the minus strand). VCF-style: chr2-55643318-C-A. GRCh37 (hg19) VCF-style: chr2-55870453-C-A.
Identifiers: ClinVar variation 3650664 (VCV003650664.2).